The following is an entry in ClinVar:

ClinVar aggregate classification (germline): Uncertain significance (1 of 4 stars; one submission).

Submission:

Labcorp Genetics (formerly Invitae), Labcorp
Classification: Uncertain significance. Last evaluated: 2023-04-10. Review status: criteria provided, single submitter. Criteria: Invitae Variant Classification Sherloc (09022015). Collection method: clinical testing. Allele origin: germline.
Comment: In summary, the available evidence is currently insufficient to determine the role of this variant in disease. Therefore, it has been classified as a Variant of Uncertain Significance. Advanced modeling of protein sequence and biophysical properties (such as structural, functional, and spatial information, amino acid conservation, physicochemical variation, residue mobility, and thermodynamic stability) performed at Invitae indicates that this missense variant is not expected to disrupt RASA2 protein function. This variant has not been reported in the literature in individuals affected with RASA2-related conditions. This variant is not present in population databases (gnomAD no frequency). This sequence change replaces threonine, which is neutral and polar, with lysine, which is basic and polar, at codon 679 of the RASA2 protein (p.Thr679Lys).

NM_006506.5(RASA2):c.2036C>A (p.Thr679Lys)

Gene: RASA2 (RAS p21 protein activator 2; plus strand). Cytogenetic location: 3q23.
Variant type: single nucleotide variant.
Coding change: c.2036C>A on transcript NM_006506.5 (MANE Select); coding-DNA position 2036, C replaced by A.
Protein change: p.Thr679Lys; replaces threonine 679 with lysine.
Molecular consequence: missense variant.
Genome position (GRCh38, 1-based): chr3:141,608,508, C>A. VCF-style: chr3-141608508-C-A. GRCh37 (hg19) VCF-style: chr3-141327350-C-A.
Other names: c.2039C>A, p.Thr680Lys (NM_001303245.3); c.2048C>A, p.Thr683Lys (NM_001303246.3); short protein forms T683K, T679K, T680K.
Identifiers: ClinVar variation 2835472 (VCV002835472.3), dbSNP rs149993684, ClinGen allele CA354774161.
Genomic context (GRCh38, chr3:141,608,508, plus strand): 5'-GGACTCTTGTCACTAACTTTTTATCTTAATTGCCTATGAAGATGTTCCAAGTAATACATA[C>A]GGAGAAACCACTCTATGTCCAGGCAAATAACTGTGTAGAAGCTAATGAATGGATAGACGT-3'
Protein context (NP_006497.2, residues 669-689): NKKNMFQVIH[Thr679Lys]EKPLYVQANN